The following is an entry in ClinVar:

ClinVar aggregate classification (germline): Pathogenic. Review status: criteria provided, multiple submitters, no conflicts (2 of 4 stars). 7 submissions from 7 submitters: Pathogenic (6). 1 of the submissions does not count toward it. Last evaluated 2024-11-19.

Conditions:
MMACHC-related disorder. Also called: MMACHC-related condition.
Cobalamin C disease. Also called: Cobalamin-C methylmalonic acidemia and homocystinuria; Methylmalonic acidemia and homocystinuria cblC type; methylmalonic aciduria and homocystinuria type cblC; Methylmalonic aciduria and homocystinuria, Vitamin B12-responsive; Vitamin B12 metabolic defect with combined deficiency of methylmalonyl-CoA mutase and homocysteine:methyltetrahydrofolate methyltransferase; Methylmalonic aciduria with homocystinuria cblC type. Identifiers: Orphanet 26, Orphanet 79282, MedGen C1848561, MONDO:0010184, OMIM 277400.

Allele frequency attached by ClinVar (database versions not stated): TOPMed 0.00001; gnomAD exomes 0.00002.
gnomAD v4.1: 27 of 1,614,052 alleles (0.0017%); highest among the groups gnomAD compares: Non-Finnish European, 0.0023%; no homozygotes.

Submissions (7):

Natera, Inc.
Classification: Pathogenic for Methylmalonic aciduria and homocystinuria cblC type. Last evaluated: 2024-11-19. Review status: criteria provided, single submitter. Criteria: Natera Variant Classification Schema (03/2026). Collection method: clinical testing. Allele origin: germline.
Comment: The c.276G>T variant in MMACHC is a missense variant predicted to cause substitution of glutamic acid to aspartic acid at amino acid 92. This variant is rare in the general population with a frequency below the threshold expected for the associated phenotype(s). This variant has been observed in one or more individuals affected with the associated recessive disease, as either homozygous or compound heterozygous with a second variant (PMID: 25894566). Additionally, this variant has been observed to segregate in affected family members (PMID: 23837176). Given the available evidence, this variant is classified as Pathogenic.

Fulgent Genetics
Classification: Pathogenic for Cobalamin C disease. Last evaluated: 2024-05-22. Review status: criteria provided, single submitter. Criteria: ACMG Guidelines, 2015. Collection method: clinical testing. Allele origin: germline.

Baylor Genetics
Classification: Pathogenic for Cobalamin C disease. Last evaluated: 2024-03-17. Review status: criteria provided, single submitter. Criteria: ACMG Guidelines, 2015. Collection method: clinical testing. Allele origin: unknown.

Labcorp Genetics (formerly Invitae), Labcorp
Classification: Pathogenic for Cobalamin C disease. Last evaluated: 2023-12-18. Review status: criteria provided, single submitter. Criteria: Invitae Variant Classification Sherloc (09022015). Collection method: clinical testing. Allele origin: germline.
Comment: This sequence change replaces glutamic acid, which is acidic and polar, with aspartic acid, which is acidic and polar, at codon 92 of the MMACHC protein (p.Glu92Asp). This variant also falls at the last nucleotide of exon 2, which is part of the consensus splice site for this exon. This variant is present in population databases (rs556977618, gnomAD 0.004%). This missense change has been observed in individual(s) with cobalamin C deficiency (PMID: 20652818, 23837176, 25894566). ClinVar contains an entry for this variant (Variation ID: 161117). An algorithm developed to predict the effect of missense changes on protein structure and function (PolyPhen-2) suggests that this variant is likely to be tolerated. Variants that disrupt the consensus splice site are a relatively common cause of aberrant splicing (PMID: 17576681, 9536098). Algorithms developed to predict the effect of sequence changes on RNA splicing suggest that this variant may disrupt the consensus splice site. For these reasons, this variant has been classified as Pathogenic.

Genome-Nilou Lab
Classification: Pathogenic for Cobalamin C disease. Last evaluated: 2023-04-11. Review status: criteria provided, single submitter. Criteria: ACMG Guidelines, 2015. Collection method: clinical testing. Allele origin: germline. Affected: no.

Blueprint Genetics
Classification: Pathogenic for MMACHC-related disorders. Last evaluated: 2022-03-04. Review status: criteria provided, single submitter. Criteria: ACMG Guidelines, 2015. Collection method: clinical testing. Allele origin: germline. Affected: yes. Observed: 1 variant allele.

OMIM
Classification: Pathogenic for METHYLMALONIC ACIDURIA AND HOMOCYSTINURIA, cblC TYPE. Last evaluated: 2013-08-01. Review status: no assertion criteria provided. Collection method: literature only. Allele origin: germline. Not counted in ClinVar's aggregate classification.

Literature cited by the submitters: PubMed 25894566 (cited by Natera, Inc. and Labcorp Genetics (formerly Invitae), Labcorp); PubMed 23837176 (cited by 3 submitters); PubMed 20652818 (cited by Labcorp Genetics (formerly Invitae), Labcorp); PubMed 17576681 (cited by Labcorp Genetics (formerly Invitae), Labcorp); PubMed 9536098 (cited by Labcorp Genetics (formerly Invitae), Labcorp).

NM_015506.3(MMACHC):c.276G>T (p.Glu92Asp)

Gene: MMACHC (metabolism of cobalamin associated C; plus strand). Cytogenetic location: 1p34.1.
Variant type: single nucleotide variant.
Coding change: c.276G>T on transcript NM_015506.3 (MANE Select); coding-DNA position 276, G replaced by T.
Protein change: p.Glu92Asp; replaces glutamic acid 92 with aspartic acid.
Molecular consequence: missense variant.
Genome position (GRCh38, 1-based): chr1:45,507,550, G>T. VCF-style: chr1-45507550-G-T. GRCh37 (hg19) VCF-style: chr1-45973222-G-T.
Other names: c.105G>T, p.Glu35Asp (NM_001330540.2); short protein forms E92D, E35D.
Identifiers: ClinVar variation 161117 (VCV000161117.21), dbSNP rs556977618, ClinGen allele CA272838.